The following is an entry in ClinVar:

NM_012238.5(SIRT1):c.26T>C (p.Leu9Pro)

Genes: SIRT1 (sirtuin 1; plus strand), LOC107832851 (SIRT1 promoter region; plus strand). Cytogenetic location: 10q21.3.
Variant type: single nucleotide variant.
Coding change: c.26T>C on transcript NM_012238.5 (MANE Select); coding-DNA position 26, T replaced by C.
Protein change: p.Leu9Pro; replaces leucine 9 with proline.
Molecular consequence: missense variant.
Genome position (GRCh38, 1-based): chr10:67,884,747, T>C. VCF-style: chr10-67884747-T-C. GRCh37 (hg19) VCF-style: chr10-69644505-T-C.
Other names: short protein forms L9P.
Identifiers: ClinVar variation 2802620 (VCV002802620.3), dbSNP rs2492880564, ClinGen allele CA377035083.
Genomic context (GRCh38, chr10:67,884,747, plus strand): 5'-AGGCGAGGGAGGAGGGCCAGAGAGGCAGTTGGAAGATGGCGGACGAGGCGGCCCTCGCCC[T>C]TCAGCCCGGCGGCTCCCCCTCGGCGGCGGGGGCCGACAGGGAGGCCGCGTCGTCCCCCGC-3'
Protein context (NP_036370.2, residues 1-19): MADEAALA[Leu9Pro]QPGGSPSAAG

ClinVar aggregate classification (germline): Uncertain significance (1 of 4 stars; one submission).

Allele frequency attached by ClinVar (database versions not stated): gnomAD exomes below 0.00001.
gnomAD v4.1: 2 of 1,228,602 alleles (0.00016%); highest among the groups gnomAD compares: Middle Eastern, 0.031%; no homozygotes.

Submission:

Labcorp Genetics (formerly Invitae), Labcorp
Classification: Uncertain significance. Last evaluated: 2023-11-06. Review status: criteria provided, single submitter. Criteria: Invitae Variant Classification Sherloc (09022015). Collection method: clinical testing. Allele origin: germline.
Comment: This sequence change replaces leucine, which is neutral and non-polar, with proline, which is neutral and non-polar, at codon 9 of the SIRT1 protein (p.Leu9Pro). This variant is not present in population databases (gnomAD no frequency). This variant has not been reported in the literature in individuals affected with SIRT1-related conditions. An algorithm developed to predict the effect of missense changes on protein structure and function (PolyPhen-2) suggests that this variant is likely to be disruptive. In summary, the available evidence is currently insufficient to determine the role of this variant in disease. Therefore, it has been classified as a Variant of Uncertain Significance.